The following is an entry in ClinVar:

ClinVar aggregate classification (germline): Uncertain significance (1 of 4 stars; one submission).

Allele frequency attached by ClinVar (database versions not stated): gnomAD exomes below 0.00001.

Submission:

Labcorp Genetics (formerly Invitae), Labcorp
Classification: Uncertain significance. Last evaluated: 2025-09-02. Review status: criteria provided, single submitter. Criteria: Invitae Variant Classification Sherloc (09022015). Collection method: clinical testing. Allele origin: germline.
Comment: This sequence change falls in intron 4 of the BCAT2 gene. It does not directly change the encoded amino acid sequence of the BCAT2 protein. It affects a nucleotide within the consensus splice site. This variant is not present in population databases (gnomAD no frequency). This variant has not been reported in the literature in individuals affected with BCAT2-related conditions. ClinVar contains an entry for this variant (Variation ID: 1436171). Variants that disrupt the consensus splice site are a relatively common cause of aberrant splicing (PMID: 17576681, 9536098). Algorithms developed to predict the effect of sequence changes on RNA splicing suggest that this variant may disrupt the consensus splice site. In summary, the available evidence is currently insufficient to determine the role of this variant in disease. Therefore, it has been classified as a Variant of Uncertain Significance.

Literature cited by the submitters: PubMed 17576681; PubMed 9536098.

NM_001190.4(BCAT2):c.411+5G>C

Gene: BCAT2 (branched chain amino acid transaminase 2; minus strand). Cytogenetic location: 19q13.33.
Variant type: single nucleotide variant.
Coding change: c.411+5G>C on transcript NM_001190.4 (MANE Select); 5 bases into the intron after coding-DNA position 411, G replaced by C.
Molecular consequence: intron variant.
Genome position (GRCh38, 1-based): chr19:48,800,182, C>G on the plus strand (G>C on the coding strand, the complement: BCAT2 is on the minus strand). VCF-style: chr19-48800182-C-G. GRCh37 (hg19) VCF-style: chr19-49303439-C-G.
Other names: c.135+5G>C (NM_001164773.2); c.291+5G>C (NM_001284325.2).
Identifiers: ClinVar variation 1436171 (VCV001436171.6), dbSNP rs2122666033, ClinGen allele CA2573156628.